The following is an entry in ClinVar:

ClinVar aggregate classification (germline): Pathogenic. Review status: reviewed by expert panel (3 of 4 stars). 31 submissions from 31 submitters: Pathogenic (1). 30 of the submissions do not count toward it. Last evaluated 2016-09-08.

Conditions:
Breast and/or ovarian cancer. Identifiers: MedGen CN221562.
Inherited ovarian cancer (without breast cancer).
Inherited breast cancer and ovarian cancer.
Breast-ovarian cancer, familial, susceptibility to, 1 (BROVCA1). Also called: BRCA1 Hereditary Breast and Ovarian Cancer; OVARIAN CANCER, SUSCEPTIBILITY TO. Identifiers: Orphanet 145, MedGen C2676676, MONDO:0011450, OMIM 604370. Disease mechanism: loss of function.
Familial cancer of breast. Also called: hereditary breast carcinoma; BREAST CANCER, FAMILIAL; Hereditary breast cancer. Identifiers: Orphanet 227535, MedGen C0346153, MONDO:0016419, OMIM 114480. Disease mechanism: loss of function.
Fanconi anemia, complementation group S (FANCS). Identifiers: MedGen C4554406, MONDO:0054748, OMIM 617883.
Pancreatic cancer, susceptibility to, 4. Identifiers: Orphanet 1333, MedGen C3280442, MONDO:0013685, OMIM 614320.
Hereditary cancer-predisposing syndrome. Also called: Hereditary Cancer Syndrome; Hereditary neoplastic syndrome; Neoplastic Syndromes, Hereditary; Tumor predisposition. Identifiers: Orphanet 140162, MedGen C0027672, MeSH D009386, MONDO:0015356.
Hereditary breast ovarian cancer syndrome. Also called: BRCA1- and BRCA2-Associated Hereditary Breast and Ovarian Cancer; Hereditary breast and ovarian cancer syndrome; Hereditary breast and ovarian cancer syndrome (HBOC); Breast and ovarian cancer; Hereditary breast and/or ovarian cancer syndrome; Hereditary breast and ovarian cancer. Identifiers: Orphanet 145, MedGen C0677776, MeSH D061325, MONDO:0003582. Disease mechanism: loss of function.

Allele frequency attached by ClinVar (database versions not stated): gnomAD exomes below 0.00001.
gnomAD v4.1: 3 of 1,614,058 alleles (0.00019%); highest among the groups gnomAD compares: Non-Finnish European, 0.00017%; no homozygotes.

Submissions 1 to 11 of 31:

Evidence-based Network for the Interpretation of Germline Mutant Alleles (ENIGMA)
Classification: Pathogenic for Breast-ovarian cancer, familial, susceptibility to, 1. Last evaluated: 2016-09-08. Review status: reviewed by expert panel. Criteria: ENIGMA BRCA1/2 Classification Criteria (2015). Collection method: curation. Allele origin: germline.
Comment: Variant allele predicted to encode a truncated non-functional protein.

Ambry Genetics
Classification: Pathogenic for Hereditary cancer-predisposing syndrome. Last evaluated: 2026-02-11. Review status: criteria provided, single submitter. Criteria: Ambry Variant Classification Scheme 2023. Collection method: clinical testing. Allele origin: germline. Not counted in ClinVar's aggregate classification.
Comment: The c.4524G>A (p.W1508*) alteration, located in exon 14 (coding exon 13) of the BRCA1 gene, consists of a G to A substitution at nucleotide position 4524. This changes the amino acid from a tryptophan (W) to a stop codon at amino acid position 1508. This variant is expected to result in loss of function by premature protein truncation or nonsense-mediated mRNA decay. This variant was not reported in population-based cohorts in the Genome Aggregation Database (gnomAD). This variant has been detected in multiple hereditary breast and ovarian cancer (HBOC) syndrome families (Loman, 2001; Laitman, 2011; Walsh, 2011; Couch, 2015; Kang, 2015; Bu, 2016; Plaskocinska, 2016; Brice&ntilde;o-Balc&aacute;zar, 2017; Abulkhair, 2018; Demir, 2020; Abdel-Razeq, 2021). Of note, this variant is also referred to as 4643G>A in the literature. Based on the available evidence, this alteration is classified as pathogenic.

Genetics Laboratory, Great Ormond Street Hospital NHS Foundation Trust, North Thames Genomic Laboratory Hub
Classification: Pathogenic for Inherited ovarian cancer (without breast cancer). Last evaluated: 2026-02-09. Review status: criteria provided, single submitter. Criteria: CanVIG BRCA Gene Specific V1.22. Collection method: clinical testing. Allele origin: germline. Affected: yes. Not counted in ClinVar's aggregate classification.
Comment: PS4_supporting, PM2_supporting, PVS1_very-strong, PM5_strong

Labcorp Genetics (formerly Invitae), Labcorp
Classification: Pathogenic for Hereditary breast ovarian cancer syndrome. Last evaluated: 2026-02-01. Review status: criteria provided, single submitter. Criteria: Invitae Variant Classification Sherloc (09022015). Collection method: clinical testing. Allele origin: germline. Not counted in ClinVar's aggregate classification.
Comment: This sequence change creates a premature translational stop signal (p.Trp1508*) in the BRCA1 gene. It is expected to result in an absent or disrupted protein product. Loss-of-function variants in BRCA1 are known to be pathogenic (PMID: 20104584). This variant is not present in population databases (gnomAD no frequency). This premature translational stop signal has been observed in individual(s) with breast cancer, ovarian cancer, and/or peritoneal cancer (PMID: 11504767, 20960228, 22006311, 25452441, 25863477, 27082205). This variant is also known as 4643G>A. ClinVar contains an entry for this variant (Variation ID: 55221). For these reasons, this variant has been classified as Pathogenic.

Revvity Omics, Revvity
Classification: Pathogenic. Last evaluated: 2025-05-19. Review status: criteria provided, single submitter. Criteria: ACMG Guidelines, 2015. Collection method: clinical testing. Allele origin: germline. Not counted in ClinVar's aggregate classification.

Quest Diagnostics Nichols Institute San Juan Capistrano
Classification: Pathogenic. Last evaluated: 2025-05-14. Review status: criteria provided, single submitter. Criteria: Quest Diagnostics criteria. Collection method: clinical testing. Allele origin: unknown. Not counted in ClinVar's aggregate classification.
Comment: The BRCA1 c.4524G>A (p.Trp1508*) variant causes the premature termination of BRCA1 protein synthesis. This variant has been reported in the published literature in individuals with breast cancer, ovarian cancer, and pancreatic cancer (PMID: 30199306 (2018), 29506128 (2018), 29446198 (2018), 29021639 (2017), 27082205 (2016), 26250392 (2015), 25863477 (2015), 34657373 (2022), 35464868 (2022), 36537080 (2023)). This variant has not been reported in large, multi-ethnic general populations (Genome Aggregation Database). Based on the available information, this variant is classified as pathogenic.

Color Diagnostics, LLC DBA Color Health
Classification: Pathogenic for Hereditary cancer-predisposing syndrome. Last evaluated: 2025-02-10. Review status: criteria provided, single submitter. Criteria: ACMG Guidelines, 2015. Collection method: clinical testing. Allele origin: germline. Not counted in ClinVar's aggregate classification.
Comment: This variant changes 1 nucleotide in exon 14 of the BRCA1 gene, creating a premature translation stop signal. This variant is expected to result in an absent or non-functional protein product. This variant has been reported in at least 10 individuals affected with breast, ovarian and peritoneal cancer and in a breast cancer case-control meta-analysis in 3 cases and 1 unaffected control (PMID: 11504767, 22006311, 23982851, 25452441, 26250392, 27082205, 29021639, 30199306, 32862574, 33471991, 34290354, 35464868; Leiden Open Variation Database DB-ID BRCA1_000323) and also in suspected hereditary breast and ovarian cancer families (PMID: 12402332, 20960228, 25863477). A multifactorial analysis has reported a likelihood ratio for pathogenicity based on personal and family history of 104971.853 from log(LR)=5.021072865 for 11 carriers (PMID: 31853058). This variant also has been reported in an individual affected with pancreatic cancer (PMID: 29506128). This variant has not been identified in the general population by the Genome Aggregation Database (gnomAD). Loss of BRCA1 function is a known mechanism of disease. Based on the available evidence, this variant is classified as Pathogenic.

Molecular Pathology, Peter Maccallum Cancer Centre
Classification: Pathogenic for Breast-ovarian cancer, familial, susceptibility to, 1. Last evaluated: 2024-10-15. Review status: criteria provided, single submitter. Criteria: ACMG Guidelines, 2015. Collection method: clinical testing. Allele origin: germline. Inheritance: Autosomal dominant inheritance. Not counted in ClinVar's aggregate classification.

NHS Central & South Genomic Laboratory Hub
Classification: Pathogenic for Inherited breast cancer and ovarian cancer. Last evaluated: 2024-07-01. Review status: criteria provided, single submitter. Criteria: ACMG Guidelines, 2015. Collection method: clinical testing. Allele origin: germline. Affected: yes. Not counted in ClinVar's aggregate classification.

Mayo Clinic Laboratories, Mayo Clinic
Classification: Pathogenic. Last evaluated: 2024-06-04. Review status: criteria provided, single submitter. Criteria: ACMG Guidelines, 2015. Collection method: clinical testing. Allele origin: germline. Observed: 4 variant alleles. Not counted in ClinVar's aggregate classification.
Comment: PM2_supporting, PM5_strong, PVS1

Baylor Genetics
Classification: Pathogenic for Breast-ovarian cancer, familial, susceptibility to, 1. Last evaluated: 2024-03-25. Review status: criteria provided, single submitter. Criteria: ACMG Guidelines, 2015. Collection method: clinical testing. Allele origin: unknown. Not counted in ClinVar's aggregate classification.

NM_007294.4(BRCA1):c.4524G>A (p.Trp1508Ter)

Gene: BRCA1 (BRCA1 DNA repair associated; minus strand). Cytogenetic location: 17q21.31.
Variant type: single nucleotide variant.
Coding change: c.4524G>A on transcript NM_007294.4 (MANE Select); coding-DNA position 4524, G replaced by A.
Protein change: p.Trp1508Ter; replaces tryptophan 1508 with a stop codon.
Molecular consequence: nonsense. On other transcripts: non-coding transcript variant (1).
Genome position (GRCh38, 1-based): chr17:43,074,482, C>T on the plus strand (G>A on the coding strand, the complement: BRCA1 is on the minus strand). VCF-style: chr17-43074482-C-T. GRCh37 (hg19) VCF-style: chr17-41226499-C-T.
Other names: NP_009225.1:p.Trp1508Ter; 4643G>A; c.4383G>A, p.Trp1461Ter (NM_001407726.1, NM_001407727.1, NM_001407728.1 and 13 more transcripts); c.4380G>A, p.Trp1460Ter (NM_001407732.1, NM_001407733.1, NM_001407734.1 and 21 more transcripts); c.4377G>A, p.Trp1459Ter (NM_001407849.1, NM_001407850.1, NM_001407851.1 and 12 more transcripts); c.4524G>A, p.Trp1508Ter (NM_001407854.1, NM_001407684.1, NM_001407593.1 and 8 more transcripts); c.4521G>A, p.Trp1507Ter (NM_001407858.1, NM_001407859.1, NM_001407860.1 and 17 more transcripts); c.4518G>A, p.Trp1506Ter (NM_001407861.1, NM_001407627.1, NM_001407628.1 and 14 more transcripts); and 70 more; short protein forms W1508*, W1529*, W1461*, W404*, W1381*, W1460*, W1465*, W1480*.
Identifiers: ClinVar variation 55221 (VCV000055221.87), dbSNP rs80356885, ClinGen allele CA002893.